The following is an entry in ClinVar:

NM_001321075.3(DLG4):c.1878C>A (p.Cys626Ter)

Gene: DLG4 (discs large MAGUK scaffold protein 4; minus strand). Cytogenetic location: 17p13.1.
Variant type: single nucleotide variant.
Coding change: c.1878C>A on transcript NM_001321075.3 (MANE Select); coding-DNA position 1878, C replaced by A.
Protein change: p.Cys626Ter; replaces cysteine 626 with a stop codon.
Molecular consequence: nonsense.
Genome position (GRCh38, 1-based): chr17:7,191,991, G>T on the plus strand (C>A on the coding strand, the complement: DLG4 is on the minus strand). VCF-style: chr17-7191991-G-T. GRCh37 (hg19) VCF-style: chr17-7095310-G-T.
Other names: c.1878C>A (NM_001321075.1); c.1869C>A, p.Cys623Ter (NM_001128827.4); c.1998C>A, p.Cys666Ter (NM_001321074.1); c.1698C>A, p.Cys566Ter (NM_001321076.3, NM_001321077.3); c.2007C>A, p.Cys669Ter (NM_001365.5); c.1797C>A, p.Cys599Ter (NM_001369566.3); c.1869C>A (NM_001128827.3); short protein forms C566*, C599*, C623*, C626*, C666*, C669*.
Identifiers: ClinVar variation 1329906 (VCV001329906.5), dbSNP rs1451196379, ClinGen allele CA397714531.

ClinVar aggregate classification (germline): Pathogenic/Likely pathogenic. Review status: criteria provided, multiple submitters, no conflicts (2 of 4 stars). 4 submissions from 4 submitters: Pathogenic (3); Likely pathogenic (1). Last evaluated 2023-02-28.

Conditions:
Intellectual developmental disorder 62. Also called: INTELLECTUAL DEVELOPMENTAL DISORDER, AUTOSOMAL DOMINANT 62; MENTAL RETARDATION, AUTOSOMAL DOMINANT 62. Identifiers: MedGen C5394083, MONDO:0032919, OMIM 618793.

Submissions (4):

Tumer Group, Copenhagen University Hospital, Rigshospitalet
Classification: Pathogenic for Intellectual developmental disorder 62. Last evaluated: 2023-02-28. Review status: criteria provided, single submitter. Criteria: ACMG Guidelines, 2015. Collection method: research. Allele origin: de novo. Affected: yes.

Institute of Human Genetics, University of Leipzig Medical Center
Classification: Pathogenic for Intellectual developmental disorder 62. Last evaluated: 2021-12-21. Review status: criteria provided, single submitter. Criteria: ACMG Guidelines, 2015. Collection method: research. Allele origin: de novo. Affected: yes.

Division Of Personalized Genomic Medicine, Columbia University Irving Medical Center
Classification: Pathogenic for Intellectual developmental disorder 62. Last evaluated: 2020-06-15. Review status: criteria provided, single submitter. Criteria: ACMG Guidelines, 2015. Collection method: clinical testing. Allele origin: de novo. Inheritance: Autosomal dominant inheritance. Affected: yes. Observed: 1 heterozygote.
Comment: The c.1869C>A (p.Cys623Ter) variant in the DLG4 gene substitutes a cysteine residue to a stop codon at amino acid 623 in the guanylate kinase catalytic domain in coding exon 20 (out of 22 coding exons in total) of the DLG4 gene. Therefore, the variant appears to be a de novo change. This variant is absent in the Genome Aggregation Database (gnomAD), indicating that it is not a common benign variant in the populations represented therein. Heterozygous loss of function variants in DLG4 have been observed in multiple individuals with clinical features of Intellectual Developmental Disorder 62 (PMIDs: 27479843, 29460436). To the best of our knowledge this exact variant has not been reported in the literature or in ClinVar, however loss of function variants downstream of p.Cys623Ter have been reported to be disease causing.

Centre de Biologie Pathologie Génétique, Centre Hospitalier Universitaire de Lille
Classification: Likely pathogenic for Intellectual developmental disorder 62. Review status: criteria provided, single submitter. Criteria: ACMG Guidelines, 2015. Collection method: clinical testing. Allele origin: de novo. Affected: yes.

Literature cited by the submitters: PubMed 33597769 (cited by Institute of Human Genetics, University of Leipzig Medical Center); PubMed 27479843 (cited by Division Of Personalized Genomic Medicine, Columbia University Irving Medical Center); PubMed 29460436 (cited by Division Of Personalized Genomic Medicine, Columbia University Irving Medical Center).